The following is an entry in ClinVar:

NM_000257.4(MYH7):c.4199C>A (p.Ala1400Asp)

Gene: MYH7 (myosin heavy chain 7; minus strand). Cytogenetic location: 14q11.2.
Variant type: single nucleotide variant.
Coding change: c.4199C>A on transcript NM_000257.4 (MANE Select); coding-DNA position 4199, C replaced by A.
Protein change: p.Ala1400Asp; replaces alanine 1400 with aspartic acid.
Molecular consequence: missense variant.
Genome position (GRCh38, 1-based): chr14:23,417,657, G>T on the plus strand (C>A on the coding strand, the complement: MYH7 is on the minus strand). VCF-style: chr14-23417657-G-T. GRCh37 (hg19) VCF-style: chr14-23886866-G-T.
Other names: short protein forms A1400D.
Identifiers: ClinVar variation 658169 (VCV000658169.8), dbSNP rs730880794, ClinGen allele CA389040533.

ClinVar aggregate classification (germline): Uncertain significance (1 of 4 stars; one submission).

Conditions:
Hypertrophic cardiomyopathy. Also called: HYPERTROPHIC MYOCARDIOPATHY. Identifiers: Orphanet 217569, MedGen C0007194, MeSH D002312, MONDO:0005045, HP:0001639.

Submission:

Labcorp Genetics (formerly Invitae), Labcorp
Classification: Uncertain significance for Hypertrophic cardiomyopathy. Last evaluated: 2024-02-24. Review status: criteria provided, single submitter. Criteria: Invitae Variant Classification Sherloc (09022015). Collection method: clinical testing. Allele origin: germline.
Comment: This sequence change replaces alanine, which is neutral and non-polar, with aspartic acid, which is acidic and polar, at codon 1400 of the MYH7 protein (p.Ala1400Asp). This variant is not present in population databases (gnomAD no frequency). This variant has not been reported in the literature in individuals affected with MYH7-related conditions. ClinVar contains an entry for this variant (Variation ID: 658169). Advanced modeling of protein sequence and biophysical properties (such as structural, functional, and spatial information, amino acid conservation, physicochemical variation, residue mobility, and thermodynamic stability) performed at Invitae indicates that this missense variant is expected to disrupt MYH7 protein function with a positive predictive value of 95%. In summary, the available evidence is currently insufficient to determine the role of this variant in disease. Therefore, it has been classified as a Variant of Uncertain Significance.